The following is an entry in ClinVar:

ClinVar aggregate classification (germline): Benign. Review status: criteria provided, multiple submitters, no conflicts (2 of 4 stars). 5 submissions from 5 submitters: Benign (3). 2 of the submissions do not count toward it. Last evaluated 2026-02-03.

Conditions:
46,XY sex reversal 6. Also called: 46,XY GONADAL DYSGENESIS, PARTIAL OR COMPLETE, MAP3K1-RELATED; 46,XY SEX REVERSAL, PARTIAL OR COMPLETE, MAP3K1-RELATED. Identifiers: MedGen C3151064, MONDO:0013410, OMIM 613762.

Allele frequency attached by ClinVar (database versions not stated): 1000 Genomes Project 0.01657; 1000 Genomes Project 30x 0.01686; ExAC 0.02033; gnomAD 0.02325; TOPMed 0.02454; ESP Exome Variant Server 0.02547.
gnomAD v4.1: 41,188 of 1,613,710 alleles (2.6%); highest among the groups gnomAD compares: Non-Finnish European, 2.9%; 551 homozygotes.

Submissions (27):

Labcorp Genetics (formerly Invitae), Labcorp
Classification: Benign for 46,XY sex reversal 6. Last evaluated: 2026-02-03. Review status: criteria provided, single submitter. Criteria: Invitae Variant Classification Sherloc (09022015). Collection method: clinical testing. Allele origin: germline.

CeGaT Center for Human Genetics Tuebingen
Classification: Benign. Last evaluated: 2023-04-01. Review status: criteria provided, single submitter. Criteria: CeGaT Center For Human Genetics Tuebingen Variant Classification Criteria Version 2. Collection method: clinical testing. Allele origin: germline. Affected: yes. Observed: 1 variant allele.
Comment: MAP3K1: BP4, BS1, BS2

Breakthrough Genomics
Classification: Benign. Review status: criteria provided, single submitter. Criteria: ACMG Guidelines, 2015. Collection method: not provided. Allele origin: germline. Inheritance: Autosomal dominant inheritance. Affected: yes.

Clinical Genetics DNA and cytogenetics Diagnostics Lab, Erasmus MC, Erasmus Medical Center
Classification: Benign. Review status: no assertion criteria provided. Collection method: clinical testing. Allele origin: germline. Affected: yes. Study: VKGL Data-share Consensus. Not counted in ClinVar's aggregate classification.

Dr. Peter K. Rogan Lab, Western University
No classification provided (evidence only). Condition: Melanoma. Review status: no classification provided. Collection method: in vitro. Allele origin: not applicable. Functional consequence: retained intron. Not counted in ClinVar's aggregate classification.

Dr. Peter K. Rogan Lab, Western University
No classification provided (evidence only). Condition: Melanoma. Review status: no classification provided. Collection method: in vitro. Allele origin: not applicable. Functional consequence: retained intron. Not counted in ClinVar's aggregate classification.

Dr. Peter K. Rogan Lab, Western University
No classification provided (evidence only). Condition: Acute myeloid leukemia. Review status: no classification provided. Collection method: in vitro. Allele origin: not applicable. Functional consequence: retained intron. Not counted in ClinVar's aggregate classification.

Dr. Peter K. Rogan Lab, Western University
No classification provided (evidence only). Condition: Colon adenocarcinoma. Review status: no classification provided. Collection method: in vitro. Allele origin: not applicable. Functional consequence: retained intron. Not counted in ClinVar's aggregate classification.

Dr. Peter K. Rogan Lab, Western University
No classification provided (evidence only). Condition: Colorectal cancer. Review status: no classification provided. Collection method: in vitro. Allele origin: not applicable. Functional consequence: retained intron. Not counted in ClinVar's aggregate classification.

Dr. Peter K. Rogan Lab, Western University
No classification provided (evidence only). Condition: Colorectal cancer. Review status: no classification provided. Collection method: in vitro. Allele origin: not applicable. Functional consequence: retained intron. Not counted in ClinVar's aggregate classification.

Dr. Peter K. Rogan Lab, Western University
No classification provided (evidence only). Condition: Thyroid cancer, nonmedullary, 1. Review status: no classification provided. Collection method: in vitro. Allele origin: not applicable. Functional consequence: retained intron. Not counted in ClinVar's aggregate classification.

Dr. Peter K. Rogan Lab, Western University
No classification provided (evidence only). Condition: Thyroid cancer, nonmedullary, 1. Review status: no classification provided. Collection method: in vitro. Allele origin: not applicable. Functional consequence: retained intron. Not counted in ClinVar's aggregate classification.

Dr. Peter K. Rogan Lab, Western University
No classification provided (evidence only). Condition: Thyroid cancer, nonmedullary, 1. Review status: no classification provided. Collection method: in vitro. Allele origin: not applicable. Functional consequence: retained intron. Not counted in ClinVar's aggregate classification.

Dr. Peter K. Rogan Lab, Western University
No classification provided (evidence only). Condition: Uterine corpus endometrial carcinoma. Review status: no classification provided. Collection method: in vitro. Allele origin: not applicable. Functional consequence: retained intron. Not counted in ClinVar's aggregate classification.

Dr. Peter K. Rogan Lab, Western University
No classification provided (evidence only). Condition: Uterine corpus endometrial carcinoma. Review status: no classification provided. Collection method: in vitro. Allele origin: not applicable. Functional consequence: retained intron. Not counted in ClinVar's aggregate classification.

Dr. Peter K. Rogan Lab, Western University
No classification provided (evidence only). Condition: Cervical cancer. Review status: no classification provided. Collection method: in vitro. Allele origin: not applicable. Functional consequence: retained intron. Not counted in ClinVar's aggregate classification.

Dr. Peter K. Rogan Lab, Western University
No classification provided (evidence only). Condition: Cervical cancer. Review status: no classification provided. Collection method: in vitro. Allele origin: not applicable. Functional consequence: retained intron. Not counted in ClinVar's aggregate classification.

Dr. Peter K. Rogan Lab, Western University
No classification provided (evidence only). Condition: Sarcoma. Review status: no classification provided. Collection method: in vitro. Allele origin: not applicable. Functional consequence: retained intron. Not counted in ClinVar's aggregate classification.

Dr. Peter K. Rogan Lab, Western University
No classification provided (evidence only). Condition: Hepatocellular carcinoma. Review status: no classification provided. Collection method: in vitro. Allele origin: not applicable. Functional consequence: retained intron. Not counted in ClinVar's aggregate classification.

Dr. Peter K. Rogan Lab, Western University
No classification provided (evidence only). Condition: Thymoma. Review status: no classification provided. Collection method: in vitro. Allele origin: not applicable. Functional consequence: retained intron. Not counted in ClinVar's aggregate classification.

Dr. Peter K. Rogan Lab, Western University
No classification provided (evidence only). Condition: Gastric cancer. Review status: no classification provided. Collection method: in vitro. Allele origin: not applicable. Functional consequence: retained intron. Not counted in ClinVar's aggregate classification.

Dr. Peter K. Rogan Lab, Western University
No classification provided (evidence only). Condition: Gastric cancer. Review status: no classification provided. Collection method: in vitro. Allele origin: not applicable. Functional consequence: retained intron. Not counted in ClinVar's aggregate classification.

Dr. Peter K. Rogan Lab, Western University
No classification provided (evidence only). Condition: Gastric cancer. Review status: no classification provided. Collection method: in vitro. Allele origin: not applicable. Functional consequence: retained intron. Not counted in ClinVar's aggregate classification.

Dr. Peter K. Rogan Lab, Western University
No classification provided (evidence only). Condition: Malignant tumor of esophagus. Review status: no classification provided. Collection method: in vitro. Allele origin: not applicable. Functional consequence: retained intron. Not counted in ClinVar's aggregate classification.

Dr. Peter K. Rogan Lab, Western University
No classification provided (evidence only). Condition: Malignant tumor of esophagus. Review status: no classification provided. Collection method: in vitro. Allele origin: not applicable. Functional consequence: retained intron. Not counted in ClinVar's aggregate classification.

Dr. Peter K. Rogan Lab, Western University
No classification provided (evidence only). Condition: Malignant tumor of esophagus. Review status: no classification provided. Collection method: in vitro. Allele origin: not applicable. Functional consequence: retained intron. Not counted in ClinVar's aggregate classification.

Laboratory of Diagnostic Genome Analysis, Leiden University Medical Center (LUMC)
Classification: Likely benign. Review status: no assertion criteria provided. Collection method: clinical testing. Allele origin: germline. Affected: yes. Study: VKGL Data-share Consensus. Not counted in ClinVar's aggregate classification.

NM_005921.2(MAP3K1):c.764A>G (p.Asn255Ser)

Gene: MAP3K1 (mitogen-activated protein kinase kinase kinase 1; plus strand). Cytogenetic location: 5q11.2.
Variant type: single nucleotide variant.
Coding change: c.764A>G on transcript NM_005921.2 (MANE Select); coding-DNA position 764, A replaced by G.
Protein change: p.Asn255Ser; replaces asparagine 255 with serine.
Molecular consequence: missense variant.
Genome position (GRCh38, 1-based): chr5:56,859,845, A>G. VCF-style: chr5-56859845-A-G. GRCh37 (hg19) VCF-style: chr5-56155672-A-G.
Other names: short protein forms N255S.
Identifiers: ClinVar variation 471695 (VCV000471695.38), dbSNP rs56069227, ClinGen allele CA3272604.
Genomic context (GRCh38, chr5:56,859,845, plus strand): 5'-AGGTCCAGGCAAGTGCGGCTTCACCAGCTTCCAAAGGCCGACGCAGTCCTTCTCCTGGCA[A>G]CTCCCCATCAGGTCGCACAGTGAAATCAGAATCTCCAGGAGTAAGGAGAAAAAGAGTTTC-3'
Protein context (NP_005912.1, residues 245-265): SKGRRSPSPG[Asn255Ser]SPSGRTVKSE